The following is an entry in ClinVar:

NM_177559.3(CSNK2A1):c.638T>C (p.Leu213Ser)

Gene: CSNK2A1 (casein kinase 2 alpha 1; minus strand). Cytogenetic location: 20p13.
Variant type: single nucleotide variant.
Coding change: c.638T>C on transcript NM_177559.3 (MANE Select); coding-DNA position 638, T replaced by C.
Protein change: p.Leu213Ser; replaces leucine 213 with serine.
Molecular consequence: missense variant.
Genome position (GRCh38, 1-based): chr20:489,865, A>G on the plus strand (T>C on the coding strand, the complement: CSNK2A1 is on the minus strand). VCF-style: chr20-489865-A-G. GRCh37 (hg19) VCF-style: chr20-470509-A-G.
Other names: c.638T>C, p.Leu213Ser (NM_001362770.2, NM_001362771.2, NM_001895.4); c.230T>C, p.Leu77Ser (NM_177560.3); c.638T>C (NM_001895.3); short protein forms L213S, L77S.
Identifiers: ClinVar variation 5042011 (VCV005042011.2).
Genomic context (GRCh38, chr20:489,865, plus strand): 5'-AAAAATGGCTCCTTCCGAAAGATCATACTTGCCAGCATACAACCCAAACTCCACATATCC[A>G]AACTATAATCGTACATCTGCATAAAAGTAAACTCACTGTTATTATCTGTGAATCCTCAGG-3'
Protein context (NP_808227.1, residues 203-223): LVDYQMYDYS[Leu213Ser]DMWSLGCMLA

ClinVar aggregate classification (germline): Conflicting classifications of pathogenicity. Review status: criteria provided, conflicting classifications (1 of 4 stars). 2 submissions from 2 submitters: Likely pathogenic (1); Uncertain significance (1). Last evaluated 2025-01-13.

Conditions:
Okur-Chung neurodevelopmental syndrome (OCNDS). Identifiers: Orphanet 689422, MedGen C4310739, MONDO:0014893, OMIM 617062.

Submissions (2):

Clinical Genetics Laboratory, University Hospital Schleswig-Holstein
Classification: Uncertain significance for Okur-Chung neurodevelopmental syndrome. Last evaluated: 2025-01-13. Review status: criteria provided, single submitter. Criteria: ACMG Guidelines, 2015. Collection method: clinical testing. Allele origin: germline. Affected: yes.
Comment: ACMG criteria applied: PM2, PP3, PP2

Clinical Genetics Service, Universitary Hospital 12 de Octubre
Classification: Likely pathogenic for Okur-Chung neurodevelopmental syndrome. Review status: criteria provided, single submitter. Criteria: ACMG Guidelines, 2015. Collection method: clinical testing. Allele origin: de novo. Affected: yes.